The following is an entry in ClinVar:

ClinVar aggregate classification (germline): Benign/Likely benign. Review status: criteria provided, multiple submitters, no conflicts (2 of 4 stars). 6 submissions from 6 submitters: Benign (1); Likely benign (4). 1 of the submissions does not count toward it. Last evaluated 2026-06-03.

Conditions:
KIT-related disorder. Also called: KIT-related condition.
Hereditary cancer-predisposing syndrome. Also called: Tumor predisposition; Hereditary Cancer Syndrome; Hereditary neoplastic syndrome; Neoplastic Syndromes, Hereditary. Identifiers: Orphanet 140162, MedGen C0027672, MeSH D009386, MONDO:0015356.
Gastrointestinal stromal tumor. Also called: Gastrointestinal stromal tumor, somatic; Gastrointestinal stroma tumor. Identifiers: Orphanet 44890, MedGen C0238198, MeSH D046152, MONDO:0011719, OMIM 606764, HP:0100723.

Allele frequency attached by ClinVar (database versions not stated): TOPMed 0.00001; ExAC 0.00002; gnomAD exomes 0.00003.
gnomAD v4.1: 31 of 1,614,122 alleles (0.0019%); highest among the groups gnomAD compares: East Asian, 0.0089%; no homozygotes.

Submissions (6):

Myriad Genetics, Inc.
Classification: Benign for Gastrointestinal stromal tumor. Last evaluated: 2026-06-03. Review status: criteria provided, single submitter. Criteria: Myriad Autosomal Dominant, Autosomal Recessive and X-Linked Classification Criteria (2023). Collection method: clinical testing. Allele origin: unknown.
Comment: This variant is considered benign. This variant is a silent/synonymous amino acid change and it is not expected to impact splicing.

Labcorp Genetics (formerly Invitae), Labcorp
Classification: Likely benign for Gastrointestinal stromal tumor. Last evaluated: 2026-02-01. Review status: criteria provided, single submitter. Criteria: Invitae Variant Classification Sherloc (09022015). Collection method: clinical testing. Allele origin: germline.

Blueprint Genetics
Classification: Likely benign. Last evaluated: 2024-04-05. Review status: criteria provided, single submitter. Criteria: ACMG Guidelines, 2015. Collection method: clinical testing. Allele origin: germline.

KCCC/NGS Laboratory, Kuwait Cancer Control Center
Classification: Likely benign for Gastrointestinal stromal tumor. Last evaluated: 2023-07-07. Review status: criteria provided, single submitter. Criteria: ACMG Guidelines, 2015. Collection method: clinical testing. Allele origin: germline. Affected: yes.

Ambry Genetics
Classification: Likely benign for Hereditary cancer-predisposing syndrome. Last evaluated: 2023-03-11. Review status: criteria provided, single submitter. Criteria: Ambry Variant Classification Scheme 2023. Collection method: clinical testing. Allele origin: germline.

PreventionGenetics, part of Exact Sciences
Classification: Likely benign for KIT-related condition. Last evaluated: 2024-01-12. Review status: no assertion criteria provided. Collection method: clinical testing. Allele origin: germline. Not counted in ClinVar's aggregate classification.
Comment: This variant is classified as likely benign based on ACMG/AMP sequence variant interpretation guidelines (Richards et al. 2015 PMID: 25741868, with internal and published modifications).

NM_000222.3(KIT):c.1404G>A (p.Pro468=)

Gene: KIT (KIT proto-oncogene, receptor tyrosine kinase; plus strand). Cytogenetic location: 4q12.
Variant type: single nucleotide variant.
Coding change: c.1404G>A on transcript NM_000222.3 (MANE Select); coding-DNA position 1404, G replaced by A.
Protein change: p.Pro468=; no amino-acid change (proline 468 retained).
Molecular consequence: synonymous variant.
Genome position (GRCh38, 1-based): chr4:54,725,914, G>A. VCF-style: chr4-54725914-G-A. GRCh37 (hg19) VCF-style: chr4-55592080-G-A.
Other names: c.1404G>A, p.Pro468= (NM_001093772.2, NM_001385285.1, NM_001385286.1); c.1407G>A, p.Pro469= (NM_001385284.1, NM_001385288.1, NM_001385290.1 and 1 more transcripts).
Identifiers: ClinVar variation 415803 (VCV000415803.19), dbSNP rs767079772, ClinGen allele CA2923484.